The following is an entry in ClinVar:

ClinVar aggregate classification (germline): Uncertain significance (1 of 4 stars; one submission).

Conditions:
Bethlem myopathy 1A. Also called: Bethlem myopathy 1; MYOPATHY, BENIGN CONGENITAL, WITH CONTRACTURES; Bethlem Muscular Dystrophy. Identifiers: Orphanet 610, MedGen CN029274, MONDO:0024530, OMIM 158810.

Allele frequency attached by ClinVar (database versions not stated): TOPMed below 0.00001; gnomAD 0.00001.
gnomAD v4.1: 1 of 1,614,122 alleles (0.000062%); highest among the groups gnomAD compares: Non-Finnish European, 0.000085%; no homozygotes.

Submission:

Labcorp Genetics (formerly Invitae), Labcorp
Classification: Uncertain significance for Bethlem myopathy 1A. Last evaluated: 2023-05-07. Review status: criteria provided, single submitter. Criteria: Invitae Variant Classification Sherloc (09022015). Collection method: clinical testing. Allele origin: germline.
Comment: In summary, the available evidence is currently insufficient to determine the role of this variant in disease. Therefore, it has been classified as a Variant of Uncertain Significance. Advanced modeling of protein sequence and biophysical properties (such as structural, functional, and spatial information, amino acid conservation, physicochemical variation, residue mobility, and thermodynamic stability) performed at Invitae indicates that this missense variant is not expected to disrupt COL6A3 protein function. This variant has not been reported in the literature in individuals affected with COL6A3-related conditions. This variant is not present in population databases (gnomAD no frequency). This sequence change replaces leucine, which is neutral and non-polar, with phenylalanine, which is neutral and non-polar, at codon 786 of the COL6A3 protein (p.Leu786Phe).

NM_004369.4(COL6A3):c.2356C>T (p.Leu786Phe)

Gene: COL6A3 (collagen type VI alpha 3 chain; minus strand). Cytogenetic location: 2q37.3.
Variant type: single nucleotide variant.
Coding change: c.2356C>T on transcript NM_004369.4 (MANE Select); coding-DNA position 2356, C replaced by T.
Protein change: p.Leu786Phe; replaces leucine 786 with phenylalanine.
Molecular consequence: missense variant. On other transcripts: intron variant (1).
Genome position (GRCh38, 1-based): chr2:237,378,777, G>A on the plus strand (C>T on the coding strand, the complement: COL6A3 is on the minus strand). VCF-style: chr2-237378777-G-A. GRCh37 (hg19) VCF-style: chr2-238287420-G-A.
Other names: c.1135C>T, p.Leu379Phe (NM_057164.5); c.1738C>T, p.Leu580Phe (NM_057165.5, NM_057167.4); c.677-1433C>T (NM_057166.5); short protein forms L786F, L379F, L580F.
Identifiers: ClinVar variation 2804923 (VCV002804923.3), dbSNP rs770884081, ClinGen allele CA67826638.